The following is an entry in ClinVar:

NM_005535.3(IL12RB1):c.517C>T (p.Arg173Trp)

Gene: IL12RB1 (interleukin 12 receptor subunit beta 1; minus strand). Cytogenetic location: 19p13.11.
Variant type: single nucleotide variant.
Coding change: c.517C>T on transcript NM_005535.3 (MANE Select); coding-DNA position 517, C replaced by T.
Protein change: p.Arg173Trp; replaces arginine 173 with tryptophan.
Molecular consequence: missense variant.
Genome position (GRCh38, 1-based): chr19:18,077,548, G>A on the plus strand (C>T on the coding strand, the complement: IL12RB1 is on the minus strand). VCF-style: chr19-18077548-G-A. GRCh37 (hg19) VCF-style: chr19-18188358-G-A.
Other names: c.517C>T, p.Arg173Trp (NM_001290023.2, NM_153701.3); c.637C>T, p.Arg213Trp (NM_001290024.2); short protein forms R173W, R213W.
Identifiers: ClinVar variation 1339542 (VCV001339542.11), dbSNP rs144702323, ClinGen allele CA9305193.

ClinVar aggregate classification (germline): Pathogenic/Likely pathogenic. Review status: criteria provided, multiple submitters, no conflicts (2 of 4 stars). 5 submissions from 5 submitters: Pathogenic (4); Likely pathogenic (1). Last evaluated 2025-12-24.

Conditions:
IL12RB1-related disorders.
Mendelian susceptibility to mycobacterial diseases due to complete IL12RB1 deficiency. Also called: IL12RB1 DEFICIENCY; Immunodeficiency 30. Identifiers: Orphanet 319552, MedGen C4013949, MONDO:0013955, OMIM 614891.

Allele frequency attached by ClinVar (database versions not stated): gnomAD exomes 0.00001; ExAC 0.00002; TOPMed 0.00002; gnomAD 0.00003; ESP Exome Variant Server 0.00015.
gnomAD v4.1: 36 of 1,612,204 alleles (0.0022%); highest among the groups gnomAD compares: Middle Eastern, 0.017%; no homozygotes.

Submissions (5):

Labcorp Genetics (formerly Invitae), Labcorp
Classification: Pathogenic for Mendelian susceptibility to mycobacterial diseases due to complete IL12RB1 deficiency. Last evaluated: 2025-12-24. Review status: criteria provided, single submitter. Criteria: Invitae Variant Classification Sherloc (09022015). Collection method: clinical testing. Allele origin: germline.
Comment: This sequence change replaces arginine, which is basic and polar, with tryptophan, which is neutral and slightly polar, at codon 173 of the IL12RB1 protein (p.Arg173Trp). The frequency data for this variant in the population databases is considered unreliable, as metrics indicate poor data quality at this position in the gnomAD database. This missense change has been observed in individual(s) with Mendelian susceptibility to mycobacterial disease (PMID: 21057261, 30715640, 31158284). ClinVar contains an entry for this variant (Variation ID: 1339542). Invitae Evidence Modeling of protein sequence and biophysical properties (such as structural, functional, and spatial information, amino acid conservation, physicochemical variation, residue mobility, and thermodynamic stability) indicates that this missense variant is expected to disrupt IL12RB1 protein function with a positive predictive value of 80%. For these reasons, this variant has been classified as Pathogenic.

Blueprint Genetics
Classification: Pathogenic for IL12RB1-related disorders. Last evaluated: 2023-08-08. Review status: criteria provided, single submitter. Criteria: ACMG Guidelines, 2015. Collection method: clinical testing. Allele origin: germline. Affected: yes. Observed: 4 variant alleles.

Laboratorio de Genetica e Diagnostico Molecular, Hospital Israelita Albert Einstein
Classification: Likely pathogenic for Mendelian susceptibility to mycobacterial diseases due to complete IL12RB1 deficiency. Last evaluated: 2023-07-09. Review status: criteria provided, single submitter. Criteria: ACMG Guidelines, 2015. Collection method: clinical testing. Allele origin: germline. Affected: yes.
Comment: ACMG classification criteria: PM2 moderate, PM3 strong, PP1 supporting

3billion
Classification: Pathogenic for Mendelian susceptibility to mycobacterial diseases due to complete IL12RB1 deficiency. Last evaluated: 2022-09-01. Review status: criteria provided, single submitter. Criteria: ACMG Guidelines, 2015. Collection method: clinical testing. Allele origin: germline. Affected: yes. Observed: 1 homozygote.
Comment: The variant is observed at an extremely low frequency in the gnomAD v2.1.1 dataset (total allele frequency: <0.001%). While this variant results in missense change, protein truncation variants are a common disease-causing mechanism. In silico tool predictions suggest damaging effect of the variant on gene or gene product (REVEL: 0.61; 3Cnet: 0.55). Same nucleotide change resulting in same amino acid change has been previously reported as pathogenic/likely pathogenic with strong evidence (ClinVar ID: VCV001339542). The homozygous variant has been observed in multiple (>3) similarly affected unrelated individuals (PMID: 21057261, 30715640, 31158284). A different missense change at the same codon (p.Arg173Pro) has been reported to be associated with IL12RB1-related disorder (ClinVar ID: VCV000827714/ PMID: 11368122). Therefore, this variant is classified as Pathogenic according to the recommendation of ACMG/AMP guideline.

Genomics Facility, Ludwig-Maximilians-Universität München
Classification: Pathogenic for Mendelian susceptibility to mycobacterial diseases due to complete IL12RB1 deficiency. Last evaluated: 2021-12-28. Review status: criteria provided, single submitter. Criteria: ACMG Guidelines, 2015. Collection method: clinical testing. Allele origin: biparental. Inheritance: Autosomal recessive inheritance. Affected: yes.

Literature cited by the submitters: PubMed 21057261 (cited by Labcorp Genetics (formerly Invitae), Labcorp and 3billion); PubMed 30715640 (cited by Labcorp Genetics (formerly Invitae), Labcorp and 3billion); PubMed 31158284 (cited by Labcorp Genetics (formerly Invitae), Labcorp and 3billion); PubMed 11368122 (cited by 3billion).